The following is an entry in ClinVar:

NM_000918.4(P4HB):c.737C>T (p.Pro246Leu)

Gene: P4HB (prolyl 4-hydroxylase subunit beta; minus strand). Cytogenetic location: 17q25.3.
Variant type: single nucleotide variant.
Coding change: c.737C>T on transcript NM_000918.4 (MANE Select); coding-DNA position 737, C replaced by T.
Protein change: p.Pro246Leu; replaces proline 246 with leucine.
Molecular consequence: missense variant.
Genome position (GRCh38, 1-based): chr17:81,847,065, G>A on the plus strand (C>T on the coding strand, the complement: P4HB is on the minus strand). VCF-style: chr17-81847065-G-A. GRCh37 (hg19) VCF-style: chr17-79804941-G-A.
Other names: short protein forms P246L.
Identifiers: ClinVar variation 1906667 (VCV001906667.5), dbSNP rs1017538733, ClinGen allele CA295119200.

ClinVar aggregate classification (germline): Uncertain significance (1 of 4 stars; one submission).

Allele frequency attached by ClinVar (database versions not stated): gnomAD exomes below 0.00001; gnomAD 0.00001; TOPMed 0.00001.
gnomAD v4.1: 7 of 1,613,892 alleles (0.00043%); highest among the groups gnomAD compares: Admixed American, 0.0067%; no homozygotes.

Submission:

Labcorp Genetics (formerly Invitae), Labcorp
Classification: Uncertain significance. Last evaluated: 2022-04-14. Review status: criteria provided, single submitter. Criteria: Invitae Variant Classification Sherloc (09022015). Collection method: clinical testing. Allele origin: germline.
Comment: In summary, the available evidence is currently insufficient to determine the role of this variant in disease. Therefore, it has been classified as a Variant of Uncertain Significance. Algorithms developed to predict the effect of missense changes on protein structure and function are either unavailable or do not agree on the potential impact of this missense change (SIFT: "Deleterious"; PolyPhen-2: "Benign"; Align-GVGD: "Class C0"). This variant has not been reported in the literature in individuals affected with P4HB-related conditions. This variant is present in population databases (no rsID available, gnomAD 0.003%). This sequence change replaces proline, which is neutral and non-polar, with leucine, which is neutral and non-polar, at codon 246 of the P4HB protein (p.Pro246Leu).